The following is an entry in ClinVar:

NM_022489.4(INF2):c.262G>A (p.Gly88Ser)

Gene: INF2 (inverted formin 2; plus strand). Cytogenetic location: 14q32.33.
Variant type: single nucleotide variant.
Coding change: c.262G>A on transcript NM_022489.4 (MANE Select); coding-DNA position 262, G replaced by A.
Protein change: p.Gly88Ser; replaces glycine 88 with serine.
Molecular consequence: missense variant.
Genome position (GRCh38, 1-based): chr14:104,701,627, G>A. VCF-style: chr14-104701627-G-A. GRCh37 (hg19) VCF-style: chr14-105167964-G-A.
Other names: c.262G>A, p.Gly88Ser (NM_001031714.4, NM_032714.3); short protein forms G88S.
Identifiers: ClinVar variation 863277 (VCV000863277.10), dbSNP rs766891612, ClinGen allele CA7372251.
Genomic context (GRCh38, chr14:104,701,627, plus strand): 5'-TTCCTGGAGCAGAGCGGCCTGGACCTGCTGCTGGAGGCGCTGGCGCGGCTGTCGGGCCGC[G>A]GCGTTGCACGTATCTCCGACGCCCTGCTGCAGCTCACCTGCGTCAGCTGCGTGCGCGCCG-3'
Protein context (NP_071934.3, residues 78-98): LEALARLSGR[Gly88Ser]VARISDALLQ

ClinVar aggregate classification (germline): Uncertain significance. Review status: criteria provided, multiple submitters, no conflicts (2 of 4 stars). 2 submissions from 2 submitters: Uncertain significance (2). Last evaluated 2024-05-15.

Conditions:
Focal segmental glomerulosclerosis 5 (FSGS5). Identifiers: Orphanet 656, MedGen C2750475, MONDO:0013191, OMIM 613237.
Charcot-Marie-Tooth disease dominant intermediate E. Also called: CHARCOT-MARIE-TOOTH NEUROPATHY WITH FOCAL SEGMENTAL GLOMERULONEPHRITIS. Identifiers: Orphanet 93114, MedGen C4302667, MONDO:0013758, OMIM 614455.
Inborn genetic diseases. Identifiers: MedGen C0950123, MeSH D030342.

Allele frequency attached by ClinVar (database versions not stated): ExAC 0.00001.

Submissions (2):

Ambry Genetics
Classification: Uncertain significance for Inborn genetic diseases. Last evaluated: 2024-05-15. Review status: criteria provided, single submitter. Criteria: Ambry Variant Classification Scheme 2023. Collection method: clinical testing. Allele origin: germline.

Labcorp Genetics (formerly Invitae), Labcorp
Classification: Uncertain significance for Charcot-Marie-Tooth disease dominant intermediate E; Focal segmental glomerulosclerosis 5. Last evaluated: 2019-02-20. Review status: criteria provided, single submitter. Criteria: Invitae Variant Classification Sherloc (09022015). Collection method: clinical testing. Allele origin: germline.
Comment: This variant has not been reported in the literature in individuals with INF2-related conditions. In summary, the available evidence is currently insufficient to determine the role of this variant in disease. Therefore, it has been classified as a Variant of Uncertain Significance. Algorithms developed to predict the effect of sequence changes on RNA splicing suggest that this variant may create or strengthen a splice site, but this prediction has not been confirmed by published transcriptional studies. Algorithms developed to predict the effect of missense changes on protein structure and function (SIFT, PolyPhen-2, Align-GVGD) all suggest that this variant is likely to be disruptive, but these predictions have not been confirmed by published functional studies and their clinical significance is uncertain. This variant is present in population databases (rs766891612, ExAC 0.008%). This sequence change replaces glycine with serine at codon 88 of the INF2 protein (p.Gly88Ser). The glycine residue is highly conserved and there is a small physicochemical difference between glycine and serine.